The following is an entry in ClinVar:

ClinVar aggregate classification (germline): Conflicting classifications of pathogenicity. Review status: criteria provided, conflicting classifications (1 of 4 stars). 16 submissions from 16 submitters: Uncertain significance (7); Likely benign (2). 7 of the submissions do not count toward it. Last evaluated 2026-08-19.

Conditions:
PKHD1-related disorder. Also called: PKHD1-related condition.
Autosomal recessive polycystic kidney disease (ARPKD). Also called: AR polycystic kidney disease. Identifiers: Orphanet 731, Orphanet 8378, MedGen C0085548, MeSH D017044, MONDO:0009889.
Autosomal dominant polycystic liver disease. Also called: Congenital cystic disease of liver; Polycystic liver disease. Identifiers: Orphanet 2924, MedGen C0158683, MONDO:0000447, HP:0006557.
Polycystic kidney disease 4 (PKD4). Also called: Autosomal Recessive Polycystic Kidney Disease – PKHD1; PKD3; POLYCYSTIC KIDNEY DISEASE 4 WITH OR WITHOUT POLYCYSTIC LIVER DISEASE; POLYCYSTIC KIDNEY AND HEPATIC DISEASE 1; POLYCYSTIC KIDNEY DISEASE, INFANTILE, TYPE I. Identifiers: MedGen C4540575, MONDO:0033004, OMIM 263200.

Allele frequency attached by ClinVar (database versions not stated): 1000 Genomes Project 30x 0.00078; 1000 Genomes Project 0.00100; ESP Exome Variant Server 0.00146; gnomAD 0.00146; TOPMed 0.00153.
gnomAD v4.1: 3,249 of 1,614,188 alleles (0.2%); highest among the groups gnomAD compares: Non-Finnish European, 0.24%; 7 homozygotes.

Submissions (16):

Myriad Genetics, Inc.
Classification: Uncertain significance for Polycystic kidney disease 4. Last evaluated: 2026-08-19. Review status: criteria provided, single submitter. Criteria: Myriad Autosomal Dominant, Autosomal Recessive and X-Linked Classification Criteria (2023). Collection method: clinical testing. Allele origin: unknown.
Comment: NM_138694.3(PKHD1):c.1342G>C(G448R) is a missense variant classified as a variant of uncertain significance in the context of autosomal recessive polycystic kidney disease, PKHD1-related. G448R has been observed in cases with relevant disease (PMID: 15805161, 15698423, 28518170, 38547852, 39079142, 39473742). Relevant functional assessments of this variant are not available in the literature. G448R has been observed in referenced population frequency databases. In summary, there is insufficient evidence to classify NM_138694.3(PKHD1):c.1342G>C(G448R) as pathogenic or benign. Please note: this variant was assessed in the context of healthy population screening.

Labcorp Genetics (formerly Invitae), Labcorp
Classification: Likely benign for Autosomal recessive polycystic kidney disease. Last evaluated: 2026-01-28. Review status: criteria provided, single submitter. Criteria: Invitae Variant Classification Sherloc (09022015). Collection method: clinical testing. Allele origin: germline.

Blueprint Genetics
Classification: Uncertain significance. Last evaluated: 2024-11-25. Review status: criteria provided, single submitter. Criteria: ACMG Guidelines, 2015. Collection method: clinical testing. Allele origin: germline.

GeneDx
Classification: Likely benign. Last evaluated: 2021-02-23. Review status: criteria provided, single submitter. Criteria: GeneDx Variant Classification Process June 2021. Collection method: clinical testing. Allele origin: germline. Affected: yes.
Comment: This variant is associated with the following publications: (PMID: 29642553, 25646624, 28492530, 26489027, 15805161, 21228398, 15698423)

Genomic Research Center, Shahid Beheshti University of Medical Sciences
Classification: Uncertain significance. Last evaluated: 2020-05-03. Review status: criteria provided, single submitter. Criteria: ACMG Guidelines, 2015. Collection method: clinical testing. Allele origin: unknown. Affected: no.

Fulgent Genetics
Classification: Uncertain significance for Polycystic kidney disease 4. Last evaluated: 2018-10-31. Review status: criteria provided, single submitter. Criteria: ACMG Guidelines, 2015. Collection method: clinical testing. Allele origin: unknown.

Eurofins Ntd Llc (ga)
Classification: Uncertain significance. Last evaluated: 2018-01-30. Review status: criteria provided, single submitter. Criteria: EGL Classification Definitions 2015. Collection method: clinical testing. Allele origin: germline. Observed: 8 variant alleles, 8 heterozygotes.

Illumina Laboratory Services, Illumina
Classification: Uncertain significance for Polycystic kidney disease 4. Last evaluated: 2017-04-27. Review status: criteria provided, single submitter. Criteria: ICSL Variant Classification Criteria 13 December 2019. Collection method: clinical testing. Allele origin: germline.
Comment: This variant was observed as part of a predisposition screen in an ostensibly healthy population. A literature search was performed for the gene, cDNA change, and amino acid change (where applicable). Publications were found based on this search. However, the evidence from the literature, in combination with allele frequency data from public databases where available, was not sufficient to rule this variant in or out of causing disease. Therefore, this variant is classified as a variant of unknown significance.

CeGaT Center for Human Genetics Tuebingen
Classification: Uncertain significance. Last evaluated: 2016-10-31. Review status: criteria provided, single submitter. Criteria: Praxis fuer Humangenetik Tuebingen - Variant Classification Criteria. Collection method: clinical testing. Allele origin: germline. Affected: yes. Observed: 2 variant alleles.

PreventionGenetics, part of Exact Sciences
Classification: Likely benign for PKHD1-related condition. Last evaluated: 2024-09-25. Review status: no assertion criteria provided. Collection method: clinical testing. Allele origin: germline. Not counted in ClinVar's aggregate classification.
Comment: This variant is classified as likely benign based on ACMG/AMP sequence variant interpretation guidelines (Richards et al. 2015 PMID: 25741868, with internal and published modifications).

Laboratory of Gastroenterology and Hepatology, Radboud University Medical Center
Classification: Uncertain significance for Autosomal dominant polycystic liver disease. Last evaluated: 2021-09-01. Review status: no assertion criteria provided. Collection method: research. Allele origin: germline. Affected: yes. Not counted in ClinVar's aggregate classification.

Counsyl
Classification: Uncertain significance for Polycystic kidney disease 4. Last evaluated: 2017-10-17. Review status: no assertion criteria provided. Collection method: clinical testing. Allele origin: unknown. Not counted in ClinVar's aggregate classification.

Natera, Inc.
Classification: Uncertain significance for Autosomal recessive polycystic kidney disease. Last evaluated: 2017-05-08. Review status: no assertion criteria provided. Collection method: clinical testing. Allele origin: germline. Not counted in ClinVar's aggregate classification.

Department of Pathology and Laboratory Medicine, Sinai Health System
Classification: Uncertain significance. Review status: no assertion criteria provided. Collection method: clinical testing. Allele origin: unknown. Affected: yes. Study: The Canadian Open Genetics Repository (COGR). Not counted in ClinVar's aggregate classification.
Comment: The PKHD1 p.Gly448Arg variant was identified in 4 of 618 proband chromosomes (frequency: 0.0065) from individuals with polycystic kidney disease (Eisenberger_2015_PMID:25646624; Bergmann_2005_PMID:15698423; Vora_2017_PMID:28518170; Sharp_2005_PMID:15805161). The variant was identified in dbSNP (ID: rs149781976), LOVD 3.0, ClinVar (classified as uncertain significance by EGL genetics, CeGaT Praxis fuer Humangenetik Tuebingen, Fulgent Genetics and Counsyl for autosomal recessive polycystic kidney disease, and as likely benign by Invitae) and the RWTH AAachen University ARPKD database. The variant was identified in control databases in 445 of 282546 chromosomes at a frequency of 0.001575 increasing the likelihood this could be a low frequency benign variant (Genome Aggregation Database March 6, 2019, v2.1.1). The variant was observed in the following populations: European (non-Finnish) in 330 of 128880 chromosomes (freq: 0.002561), Other in 14 of 7220 chromosomes (freq: 0.001939), Latino in 54 of 35432 chromosomes (freq: 0.001524), European (Finnish) in 19 of 25122 chromosomes (freq: 0.000756), South Asian in 16 of 30616 chromosomes (freq: 0.000523), African in 11 of 24968 chromosomes (freq: 0.000441) and Ashkenazi Jewish in 1 of 10358 chromosomes (freq: 0.000097), but was not observed in the East Asian population. The p.Gly448 residue is conserved in mammals and computational analyses (PolyPhen-2, SIFT, AlignGVGD, BLOSUM, MutationTaster) provide inconsistent predictions regarding the impact to the protein; this information is not very predictive of pathogenicity. The variant occurs outside of the splicing consensus sequence and in silico or computational prediction software programs (SpliceSiteFinder, MaxEntScan, NNSPLICE, GeneSplicer) do not predict a difference in splicing. In summary, based on the above information the clinical significance of this variant cannot be determined with certainty at this time. This variant is classified as a variant of uncertain significance.

Diagnostic Laboratory, Department of Genetics, University Medical Center Groningen
Classification: Uncertain significance. Review status: no assertion criteria provided. Collection method: clinical testing. Allele origin: germline. Affected: yes. Study: VKGL Data-share Consensus. Not counted in ClinVar's aggregate classification.

Laboratory of Diagnostic Genome Analysis, Leiden University Medical Center (LUMC)
Classification: Uncertain significance. Review status: no assertion criteria provided. Collection method: clinical testing. Allele origin: germline. Affected: yes. Study: VKGL Data-share Consensus. Not counted in ClinVar's aggregate classification.

Literature cited by the submitters: PubMed 15698423 (cited by 3 submitters); PubMed 15805161 (cited by 3 submitters); PubMed 28518170 (cited by Myriad Genetics, Inc.); PubMed 38547852 (cited by Myriad Genetics, Inc.); PubMed 39079142 (cited by Myriad Genetics, Inc.); PubMed 39473742 (cited by Myriad Genetics, Inc.); PubMed 25646624 (cited by Illumina Laboratory Services, Illumina and Counsyl).

NM_138694.4(PKHD1):c.1342G>C (p.Gly448Arg)

Gene: PKHD1 (PKHD1 ciliary IPT domain containing fibrocystin/polyductin; minus strand). Cytogenetic location: 6p12.2.
Variant type: single nucleotide variant.
Coding change: c.1342G>C on transcript NM_138694.4 (MANE Select); coding-DNA position 1342, G replaced by C.
Protein change: p.Gly448Arg; replaces glycine 448 with arginine.
Molecular consequence: missense variant.
Genome position (GRCh38, 1-based): chr6:52,058,493, C>G on the plus strand (G>C on the coding strand, the complement: PKHD1 is on the minus strand). VCF-style: chr6-52058493-C-G. GRCh37 (hg19) VCF-style: chr6-51923291-C-G.
Other names: c.1342G>C, p.Gly448Arg (NM_170724.3); short protein forms G448R.
Identifiers: ClinVar variation 374479 (VCV000374479.56), dbSNP rs149781976, ClinGen allele CA3853582.
Genomic context (GRCh38, chr6:52,058,493, plus strand): 5'-TCATCCCCCTGCTTGGGGCTATCCCATGATGCTCTGCTTCCAGGTAGTACATGGCTCCAC[C>G]CAACAGCTCCAACTTGGGAGTCTTCTGCTGCCAGGTCCCTTCATCCCTATTCTGCTCCCA-3'
Protein context (NP_619639.3, residues 438-458): QQKTPKLELL[Gly448Arg]GAMYYLEAEH